The following is an entry in ClinVar:

NM_000376.3(VDR):c.519A>T (p.Arg173Ser)

Gene: VDR (vitamin D receptor; minus strand). Cytogenetic location: 12q13.11.
Variant type: single nucleotide variant.
Coding change: c.519A>T on transcript NM_000376.3 (MANE Select); coding-DNA position 519, A replaced by T.
Protein change: p.Arg173Ser; replaces arginine 173 with serine.
Molecular consequence: missense variant.
Genome position (GRCh38, 1-based): chr12:47,857,193, T>A on the plus strand (A>T on the coding strand, the complement: VDR is on the minus strand). VCF-style: chr12-47857193-T-A. GRCh37 (hg19) VCF-style: chr12-48250976-T-A.
Other names: c.519A>T, p.Arg173Ser (NM_001017535.2, NM_001364085.2, NM_001374661.1 and 1 more transcripts); c.669A>T, p.Arg223Ser (NM_001017536.2); short protein forms R173S, R223S.
Identifiers: ClinVar variation 1432897 (VCV001432897.8), dbSNP rs199620286, ClinGen allele CA6533922.
Genomic context (GRCh38, chr12:47,857,193, plus strand): 5'-AGAGGTGATACAGTGATCTGAGCAGGAGGAGGAGGAGTCCCCAGAGAAGCTGGGAGTGTG[T>A]CTGGAGTTGGGCCTGGAAGGATGGCTCCCTCCACCATCATTCACACGAACTGGAGGCTGG-3'
Protein context (NP_000367.1, residues 163-183): GGSHPSRPNS[Arg173Ser]HTPSFSGDSS

ClinVar aggregate classification (germline): Conflicting classifications of pathogenicity. Review status: criteria provided, conflicting classifications (1 of 4 stars). 3 submissions from 3 submitters: Uncertain significance (2); Likely benign (1). Last evaluated 2024-08-21.

Conditions:
Vitamin D-dependent rickets type II with alopecia (VDDR2A). Also called: Vitamin D-dependent rickets, type 2A; GENERALIZED RESISTANCE TO 1,25-DIHYDROXYVITAMIN D; HYPOCALCEMIC VITAMIN D-RESISTANT RICKETS; PDDR IIA; PSEUDOVITAMIN D-DEFICIENCY, TYPE IIA; RICKETS, HEREDITARY VITAMIN D-RESISTANT. Identifiers: Orphanet 93160, MedGen C0342646, MONDO:0010186, OMIM 277440.
Inborn genetic diseases. Identifiers: MedGen C0950123, MeSH D030342.

Allele frequency attached by ClinVar (database versions not stated): TOPMed 0.00002; gnomAD 0.00003; gnomAD exomes 0.00005; ExAC 0.00006; 1000 Genomes Project 0.00020; 1000 Genomes Project 30x 0.00031.
gnomAD v4.1: 80 of 1,614,122 alleles (0.005%); highest among the groups gnomAD compares: Middle Eastern, 0.017%; 1 homozygote.

Submissions (3):

Ambry Genetics
Classification: Likely benign for Inborn genetic diseases. Last evaluated: 2024-08-21. Review status: criteria provided, single submitter. Criteria: Ambry Variant Classification Scheme 2023. Collection method: clinical testing. Allele origin: germline.

Fulgent Genetics
Classification: Uncertain significance for Vitamin D-dependent rickets type II with alopecia. Last evaluated: 2024-04-12. Review status: criteria provided, single submitter. Criteria: ACMG Guidelines, 2015. Collection method: clinical testing. Allele origin: germline.

Labcorp Genetics (formerly Invitae), Labcorp
Classification: Uncertain significance. Last evaluated: 2022-10-06. Review status: criteria provided, single submitter. Criteria: Invitae Variant Classification Sherloc (09022015). Collection method: clinical testing. Allele origin: germline.
Comment: This sequence change replaces arginine, which is basic and polar, with serine, which is neutral and polar, at codon 173 of the VDR protein (p.Arg173Ser). This variant is present in population databases (rs199620286, gnomAD 0.02%), including at least one homozygous and/or hemizygous individual. This variant has not been reported in the literature in individuals affected with VDR-related conditions. ClinVar contains an entry for this variant (Variation ID: 1432897). Advanced modeling of protein sequence and biophysical properties (such as structural, functional, and spatial information, amino acid conservation, physicochemical variation, residue mobility, and thermodynamic stability) performed at Invitae indicates that this missense variant is not expected to disrupt VDR protein function. In summary, the available evidence is currently insufficient to determine the role of this variant in disease. Therefore, it has been classified as a Variant of Uncertain Significance.